The following is an entry in ClinVar:

ClinVar aggregate classification (germline): Uncertain significance (1 of 4 stars; one submission).

Allele frequency attached by ClinVar (database versions not stated): gnomAD 0.00001.
gnomAD v4.1: 1 of 1,614,038 alleles (0.000062%); highest among the groups gnomAD compares: East Asian, 0.0022%; no homozygotes.

Submission:

Labcorp Genetics (formerly Invitae), Labcorp
Classification: Uncertain significance. Last evaluated: 2025-08-11. Review status: criteria provided, single submitter. Criteria: Invitae Variant Classification Sherloc (09022015). Collection method: clinical testing. Allele origin: germline.
Comment: This sequence change replaces glutamine, which is neutral and polar, with lysine, which is basic and polar, at codon 463 of the CNGB1 protein (p.Gln463Lys). This variant is present in population databases (no rsID available, gnomAD 0.06%). This variant has not been reported in the literature in individuals affected with CNGB1-related conditions. ClinVar contains an entry for this variant (Variation ID: 1911652). Invitae Evidence Modeling of protein sequence and biophysical properties (such as structural, functional, and spatial information, amino acid conservation, physicochemical variation, residue mobility, and thermodynamic stability) indicates that this missense variant is not expected to disrupt CNGB1 protein function with a negative predictive value of 95%. In summary, the available evidence is currently insufficient to determine the role of this variant in disease. Therefore, it has been classified as a Variant of Uncertain Significance.

NM_001297.5(CNGB1):c.1387C>A (p.Gln463Lys)

Gene: CNGB1 (cyclic nucleotide gated channel subunit beta 1; minus strand). Cytogenetic location: 16q21.
Variant type: single nucleotide variant.
Coding change: c.1387C>A on transcript NM_001297.5 (MANE Select); coding-DNA position 1387, C replaced by A.
Protein change: p.Gln463Lys; replaces glutamine 463 with lysine.
Molecular consequence: missense variant.
Genome position (GRCh38, 1-based): chr16:57,931,864, G>T on the plus strand (C>A on the coding strand, the complement: CNGB1 is on the minus strand). VCF-style: chr16-57931864-G-T. GRCh37 (hg19) VCF-style: chr16-57965768-G-T.
Other names: c.1369C>A, p.Gln457Lys (NM_001286130.2); short protein forms Q463K, Q457K.
Identifiers: ClinVar variation 1911652 (VCV001911652.5), dbSNP rs1036455191, ClinGen allele CA281610958.